The following is an entry in ClinVar:

ClinVar aggregate classification (germline): Uncertain significance (1 of 4 stars; one submission).

gnomAD v4.1: 5 of 1,613,900 alleles (0.00031%); highest among the groups gnomAD compares: Non-Finnish European, 0.00042%; no homozygotes.

Submission:

Labcorp Genetics (formerly Invitae), Labcorp
Classification: Uncertain significance. Last evaluated: 2022-10-17. Review status: criteria provided, single submitter. Criteria: Invitae Variant Classification Sherloc (09022015). Collection method: clinical testing. Allele origin: germline.
Comment: This variant has not been reported in the literature in individuals affected with LRP2-related conditions. This sequence change replaces isoleucine, which is neutral and non-polar, with valine, which is neutral and non-polar, at codon 3119 of the LRP2 protein (p.Ile3119Val). This variant is not present in population databases (gnomAD no frequency). ClinVar contains an entry for this variant (Variation ID: 1345172). Advanced modeling of protein sequence and biophysical properties (such as structural, functional, and spatial information, amino acid conservation, physicochemical variation, residue mobility, and thermodynamic stability) performed at Invitae indicates that this missense variant is not expected to disrupt LRP2 protein function. In summary, the available evidence is currently insufficient to determine the role of this variant in disease. Therefore, it has been classified as a Variant of Uncertain Significance.

NM_004525.3(LRP2):c.9355A>G (p.Ile3119Val)

Gene: LRP2 (LDL receptor related protein 2; minus strand). Cytogenetic location: 2q31.1.
Variant type: single nucleotide variant.
Coding change: c.9355A>G on transcript NM_004525.3 (MANE Select); coding-DNA position 9355, A replaced by G.
Protein change: p.Ile3119Val; replaces isoleucine 3119 with valine.
Molecular consequence: missense variant.
Genome position (GRCh38, 1-based): chr2:169,185,993, T>C on the plus strand (A>G on the coding strand, the complement: LRP2 is on the minus strand). VCF-style: chr2-169185993-T-C. GRCh37 (hg19) VCF-style: chr2-170042503-T-C.
Other names: short protein forms I3119V.
Identifiers: ClinVar variation 1345172 (VCV001345172.5), dbSNP rs1306446810, ClinGen allele CA349154859.